The following is an entry in ClinVar:

ClinVar aggregate classification (germline): Pathogenic (1 of 4 stars; one submission).

Conditions:
Developmental and epileptic encephalopathy, 9 (DEE9). Also called: Early infantile epileptic encephalopathy 9; EPILEPSY, FEMALE-RESTRICTED, WITH MENTAL RETARDATION; JUBERG-HELLMAN SYNDROME; PCDH19-Related X-Linked Female-Limited Epilepsy with Mental Retardation. Identifiers: Orphanet 101039, Orphanet 2076, MedGen C1848137, MONDO:0010246, OMIM 300088. Disease mechanism: loss of function.

Submission:

Labcorp Genetics (formerly Invitae), Labcorp
Classification: Pathogenic for Developmental and epileptic encephalopathy, 9. Last evaluated: 2020-05-15. Review status: criteria provided, single submitter. Criteria: Invitae Variant Classification Sherloc (09022015). Collection method: clinical testing. Allele origin: germline.
Comment: This variant is not present in population databases (ExAC no frequency). Disruption of this splice site has been observed in individual(s) with early infantile epileptic encephalopathy (PMID: 28462982). In at least one individual the variant was observed to be de novo. This sequence change affects a donor splice site in intron 1 of the PCDH19 gene. It is expected to disrupt RNA splicing and likely results in an absent or disrupted protein product. Algorithms developed to predict the effect of sequence changes on RNA splicing suggest that this variant may disrupt the consensus splice site, but this prediction has not been confirmed by published transcriptional studies. Donor and acceptor splice site variants typically lead to a loss of protein function (PMID: 16199547), and loss-of-function variants in PCDH19 are known to be pathogenic (PMID: 21053371). For these reasons, this variant has been classified as Pathogenic.

Literature cited by the submitters: PubMed 28462982; PubMed 16199547; PubMed 21053371.

NM_001184880.2(PCDH19):c.2147+1G>T

Gene: PCDH19 (protocadherin 19; minus strand). Cytogenetic location: Xq22.1.
Variant type: single nucleotide variant.
Coding change: c.2147+1G>T on transcript NM_001184880.2 (MANE Select); the canonical splice donor site of the intron after coding-DNA position 2147, G replaced by T.
Molecular consequence: splice donor variant.
Genome position (GRCh38, 1-based): chrX:100,406,450, C>A on the plus strand (G>T on the coding strand, the complement: PCDH19 is on the minus strand). VCF-style: chrX-100406450-C-A. GRCh37 (hg19) VCF-style: chrX-99661448-C-A.
Other names: c.2147+1G>T (NM_020766.3, NM_001105243.2).
Identifiers: ClinVar variation 1075577 (VCV001075577.9), dbSNP rs1555984947, ClinGen allele CA414001172.